The following is an entry in ClinVar:

ClinVar aggregate classification (germline): Likely benign (1 of 4 stars; one submission).

Allele frequency attached by ClinVar (database versions not stated): 1000 Genomes Project 30x 0.00047; gnomAD 0.00053; 1000 Genomes Project 0.00060.
gnomAD v4.1: 1,379 of 1,609,638 alleles (0.086%); highest among the groups gnomAD compares: South Asian, 0.18%; 7 homozygotes.

Submission:

CeGaT Center for Human Genetics Tuebingen
Classification: Likely benign. Last evaluated: 2022-11-01. Review status: criteria provided, single submitter. Criteria: CeGaT Center For Human Genetics Tuebingen Variant Classification Criteria Version 2. Collection method: clinical testing. Allele origin: germline. Affected: yes. Observed: 1 variant allele.
Comment: AHNAK2: BP4, BP7, BS2

NM_138420.4(AHNAK2):c.6648G>A (p.Gln2216=)

Gene: AHNAK2 (AHNAK nucleoprotein 2; minus strand). Cytogenetic location: 14q32.33.
Variant type: single nucleotide variant.
Coding change: c.6648G>A on transcript NM_138420.4 (MANE Select); coding-DNA position 6648, G replaced by A.
Protein change: p.Gln2216=; no amino-acid change (glutamine 2216 retained).
Molecular consequence: synonymous variant.
Genome position (GRCh38, 1-based): chr14:104,948,803, C>T on the plus strand (G>A on the coding strand, the complement: AHNAK2 is on the minus strand). VCF-style: chr14-104948803-C-T. GRCh37 (hg19) VCF-style: chr14-105415140-C-T.
Other names: c.6348G>A, p.Gln2116= (NM_001350929.2).
Identifiers: ClinVar variation 2644735 (VCV002644735.24), dbSNP rs550923990, ClinGen allele CA7380999.
Genomic context (GRCh38, chr14:104,948,803, plus strand): 5'-CAGGTGCCCTTTGAGGCCGACTTCCTCGGGCACAGGGCCCTCCAGGAGTTTCACGTCCAC[C>T]TGGCCAGCCTGGACCTTCACGTCGGCGGAAAGGGGCTGAATGCTGAGGTCAGTGGTCTTG-3'
Protein context (NP_612429.2, residues 2206-2226): LSADVKVQAG[Gln2216=]VDVKLLEGPV